The following is an entry in ClinVar:

NM_152327.5(AK7):c.1058A>C (p.Asn353Thr)

Gene: AK7 (adenylate kinase 7; plus strand). Cytogenetic location: 14q32.2.
Variant type: single nucleotide variant.
Coding change: c.1058A>C on transcript NM_152327.5 (MANE Select); coding-DNA position 1058, A replaced by C.
Protein change: p.Asn353Thr; replaces asparagine 353 with threonine.
Molecular consequence: missense variant.
Genome position (GRCh38, 1-based): chr14:96,451,530, A>C. VCF-style: chr14-96451530-A-C. GRCh37 (hg19) VCF-style: chr14-96917867-A-C.
Other names: c.1058A>C, p.Asn353Thr (NM_001350888.2, NM_001350890.2, NM_001350892.2); c.980A>C, p.Asn327Thr (NM_001350891.2); short protein forms N353T, N327T.
Identifiers: ClinVar variation 2716561 (VCV002716561.3), dbSNP rs755693527, ClinGen allele CA7337731.
Genomic context (GRCh38, chr14:96,451,530, plus strand): 5'-TTGTGAAGGAGAATTTTAATATTCGATGGGCTGCCCAAACAGGATTTGTGGAAAATATCA[A>C]CACTATCCTCAAGGAGTACAAGCAAAGCAGAGGATTGATGGTAACTATCACTGTTTCCCA-3'
Protein context (NP_689540.2, residues 343-363): AAQTGFVENI[Asn353Thr]TILKEYKQSR

ClinVar aggregate classification (germline): Uncertain significance (1 of 4 stars; one submission).

Allele frequency attached by ClinVar (database versions not stated): gnomAD 0.00001; ExAC 0.00002; gnomAD exomes 0.00003.
gnomAD v4.1: 50 of 1,595,064 alleles (0.0031%); highest among the groups gnomAD compares: South Asian, 0.055%; 4 homozygotes.

Submission:

Labcorp Genetics (formerly Invitae), Labcorp
Classification: Uncertain significance. Last evaluated: 2024-01-05. Review status: criteria provided, single submitter. Criteria: Invitae Variant Classification Sherloc (09022015). Collection method: clinical testing. Allele origin: germline.
Comment: This sequence change replaces asparagine, which is neutral and polar, with threonine, which is neutral and polar, at codon 353 of the AK7 protein (p.Asn353Thr). This variant is present in population databases (rs755693527, gnomAD 0.05%). This variant has not been reported in the literature in individuals affected with AK7-related conditions. Advanced modeling of protein sequence and biophysical properties (such as structural, functional, and spatial information, amino acid conservation, physicochemical variation, residue mobility, and thermodynamic stability) performed at Invitae indicates that this missense variant is not expected to disrupt AK7 protein function with a negative predictive value of 80%. In summary, the available evidence is currently insufficient to determine the role of this variant in disease. Therefore, it has been classified as a Variant of Uncertain Significance.